The following is an entry in ClinVar:

ClinVar aggregate classification (germline): Uncertain significance (1 of 4 stars; one submission).

gnomAD v4.1: 2 of 1,613,878 alleles (0.00012%); highest among the groups gnomAD compares: Non-Finnish European, 0.00017%; no homozygotes.

Submission:

Labcorp Genetics (formerly Invitae), Labcorp
Classification: Uncertain significance. Last evaluated: 2023-04-17. Review status: criteria provided, single submitter. Criteria: Invitae Variant Classification Sherloc (09022015). Collection method: clinical testing. Allele origin: germline.
Comment: This variant has not been reported in the literature in individuals affected with DNM1L-related conditions. In summary, the available evidence is currently insufficient to determine the role of this variant in disease. Therefore, it has been classified as a Variant of Uncertain Significance. An algorithm developed to predict the effect of missense changes on protein structure and function (PolyPhen-2) suggests that this variant is likely to be disruptive. This variant is not present in population databases (gnomAD no frequency). This sequence change replaces aspartic acid, which is acidic and polar, with asparagine, which is neutral and polar, at codon 13 of the DNM1L protein (p.Asp13Asn).

NM_012062.5(DNM1L):c.37G>A (p.Asp13Asn)

Gene: DNM1L (dynamin 1 like; plus strand). Cytogenetic location: 12p11.21.
Variant type: single nucleotide variant.
Coding change: c.37G>A on transcript NM_012062.5 (MANE Select); coding-DNA position 37, G replaced by A.
Protein change: p.Asp13Asn; replaces aspartic acid 13 with asparagine.
Molecular consequence: missense variant. On other transcripts: 5 prime UTR variant (1).
Genome position (GRCh38, 1-based): chr12:32,679,400, G>A. VCF-style: chr12-32679400-G-A. GRCh37 (hg19) VCF-style: chr12-32832334-G-A.
Other names: c.37G>A, p.Asp13Asn (NM_001278463.2, NM_001278464.2, NM_001278465.2 and 3 more transcripts); c.-169G>A (NM_001278466.2); short protein forms D13N.
Identifiers: ClinVar variation 3012429 (VCV003012429.3), dbSNP rs1157033230, ClinGen allele CA384359294.